The following is an entry in ClinVar:

NM_033118.4(MYLK2):c.277C>A (p.Pro93Thr)

Gene: MYLK2 (myosin light chain kinase 2; plus strand). Cytogenetic location: 20q11.21.
Variant type: single nucleotide variant.
Coding change: c.277C>A on transcript NM_033118.4 (MANE Select); coding-DNA position 277, C replaced by A.
Protein change: p.Pro93Thr; replaces proline 93 with threonine.
Molecular consequence: missense variant.
Genome position (GRCh38, 1-based): chr20:31,820,350, C>A. VCF-style: chr20-31820350-C-A. GRCh37 (hg19) VCF-style: chr20-30408153-C-A.
Other names: short protein forms P93T.
Identifiers: ClinVar variation 46524 (VCV000046524.5), dbSNP rs397517473, ClinGen allele CA138528.

ClinVar aggregate classification (germline): Uncertain significance (1 of 4 stars; one submission).

gnomAD v4.1: 8 of 1,612,718 alleles (0.0005%); highest among the groups gnomAD compares: South Asian, 0.0066%; no homozygotes.

Submission:

Laboratory for Molecular Medicine, Mass General Brigham Personalized Medicine
Classification: Uncertain significance. Last evaluated: 2012-04-11. Review status: criteria provided, single submitter. Criteria: LMM Criteria. Collection method: clinical testing. Allele origin: germline. Observed: 1 variant allele.
Comment: Variant classified as Uncertain Significance - Favor Benign. The Pro93Thr varian t in MYLK2 has not been reported in the literature nor previously identified by our laboratory. Proline (Pro) at position 93 is not conserved in mammals, despit e high nearby amino acid conservation. Computational analyses (biochemical amino acid properties, AlignGVGD, and SIFT) suggest that this variant may not impact the protein, though this information is not predictive enough to rule out pathog enicity. Although the lack of conservation and computational tools suggest that the Pro93Thr variant may be benign, additional studies are needed to fully asses s its clinical significance.